The following is an entry in ClinVar:

NM_017947.4(MOCOS):c.653A>T (p.Glu218Val)

Gene: MOCOS (molybdenum cofactor sulfurase; plus strand). Cytogenetic location: 18q12.2.
Variant type: single nucleotide variant.
Coding change: c.653A>T on transcript NM_017947.4 (MANE Select); coding-DNA position 653, A replaced by T.
Protein change: p.Glu218Val; replaces glutamic acid 218 with valine.
Molecular consequence: missense variant.
Genome position (GRCh38, 1-based): chr18:36,200,036, A>T. VCF-style: chr18-36200036-A-T. GRCh37 (hg19) VCF-style: chr18-33779999-A-T.
Other names: short protein forms E218V.
Identifiers: ClinVar variation 578524 (VCV000578524.9), dbSNP rs758893848, ClinGen allele CA8940472.
Genomic context (GRCh38, chr18:36,200,036, plus strand): 5'-TCTGCTACCCAGCTCAGAGTAACTTTTCTGGAGTCAGATACCCCCTGTCCTGGATAGAAG[A>T]GGTCAAGTCTGGGCGGTTGCACCCTGTGAGCACGCCTGGGAAGTGGTTTGTGCTGCTGGA-3'
Protein context (NP_060417.4, residues 208-228): GVRYPLSWIE[Glu218Val]VKSGRLHPVS

ClinVar aggregate classification (germline): Uncertain significance. Review status: criteria provided, multiple submitters, no conflicts (2 of 4 stars). 2 submissions from 2 submitters: Uncertain significance (2). Last evaluated 2025-02-08.

Conditions:
Xanthinuria type II. Also called: Xanthine dehydrogenase and aldehyde oxidase combined deficiency of; XDH and AOX dual deficiency. Identifiers: Orphanet 3467, Orphanet 93602, MedGen C1863688, MONDO:0011346, OMIM 603592.

Allele frequency attached by ClinVar (database versions not stated): gnomAD exomes below 0.00001 and 0.00001; ExAC 0.00001; gnomAD 0.00001; TOPMed 0.00002.
gnomAD v4.1: 6 of 1,614,070 alleles (0.00037%); highest among the groups gnomAD compares: Non-Finnish European, 0.00042%; no homozygotes.

Submissions (2):

Ambry Genetics
Classification: Uncertain significance. Last evaluated: 2025-02-08. Review status: criteria provided, single submitter. Criteria: Ambry Variant Classification Scheme 2023. Collection method: clinical testing. Allele origin: germline.

Labcorp Genetics (formerly Invitae), Labcorp
Classification: Uncertain significance for Xanthinuria type II. Last evaluated: 2018-04-26. Review status: criteria provided, single submitter. Criteria: Invitae Variant Classification Sherloc (09022015). Collection method: clinical testing. Allele origin: germline.
Comment: This variant has not been reported in the literature in individuals with MOCOS-related disease. Algorithms developed to predict the effect of missense changes on protein structure and function do not agree on the potential impact of this missense change (SIFT: "Tolerated"; PolyPhen-2: "Possibly Damaging"; Align-GVGD: "Class C0"). In summary, the available evidence is currently insufficient to determine the role of this variant in disease. Therefore, it has been classified as a Variant of Uncertain Significance. This sequence change replaces glutamic acid with valine at codon 218 of the MOCOS protein (p.Glu218Val). The glutamic acid residue is moderately conserved and there is a moderate physicochemical difference between glutamic acid and valine. This variant is present in population databases (rs758893848, ExAC 0.001%).